The following is an entry in ClinVar:

ClinVar aggregate classification (germline): Pathogenic (1 of 4 stars; one submission).

Conditions:
Inborn genetic diseases. Identifiers: MedGen C0950123, MeSH D030342.

Submission:

Ambry Genetics
Classification: Pathogenic for Inborn genetic diseases. Last evaluated: 2026-01-16. Review status: criteria provided, single submitter. Criteria: Ambry Variant Classification Scheme 2023. Collection method: clinical testing. Allele origin: germline.
Comment: The c.6677dupT (p.M2226Ifs*17) alteration, located in exon 40 (coding exon 39) of the PKHD1 gene, consists of a duplication of T at position 6677, causing a translational frameshift with a predicted alternate stop codon after 17 amino acids. This alteration is expected to result in loss of function by premature protein truncation or nonsense-mediated mRNA decay. This variant was not reported in population-based cohorts in the Genome Aggregation Database (gnomAD). Based on the available evidence, this alteration is classified as pathogenic.

NM_138694.4(PKHD1):c.6677dup (p.Met2226fs)

Gene: PKHD1 (PKHD1 ciliary IPT domain containing fibrocystin/polyductin; minus strand). Cytogenetic location: 6p12.2.
Variant type: Duplication.
Coding change: c.6677dup on transcript NM_138694.4 (MANE Select); coding-DNA position 6677, one base duplicated (T; older notation c.6677dupT).
Protein change: p.Met2226fs; shifts the reading frame from methionine 2226.
Molecular consequence: frameshift variant.
Genome position (GRCh38, 1-based): chr6:51,909,288, A duplicated on the plus strand (T on the coding strand, the reverse complement: PKHD1 is on the minus strand). VCF-style (leftmost placement, unchanged base first): chr6-51909287-C-CA. GRCh37 (hg19) VCF-style: chr6-51774085-C-CA.
Other names: c.6677dup, p.Met2226fs (NM_170724.3); short protein forms M2226fs.
Identifiers: ClinVar variation 4833021 (VCV004833021.1).
Genomic context (GRCh38, chr6:51,909,287, plus strand): 5'-TGCCTTAAACATGGGAGAAAGAAACATGAGAAAGTCCTAGGTCCGGACCCCCTTACCTCT[C>CA]ATAGCTCCCACCAGAGTGAGTGAGCTCAGATGCTTATGGAAGGCTTGCCCCAAGACTTGA-3'